The following is an entry in ClinVar:

NM_000271.5(NPC1):c.238_243del (p.Leu80_Gln81del)

Gene: NPC1 (NPC intracellular cholesterol transporter 1; minus strand). Cytogenetic location: 18q11.2.
Variant type: Deletion.
Coding change: c.238_243del on transcript NM_000271.5 (MANE Select); coding-DNA positions 238 to 243, 6 bases deleted (CTTCAG; older notation c.238_243delCTTCAG).
Protein change: p.Leu80_Gln81del.
Molecular consequence: inframe deletion.
Genome position (GRCh38, 1-based): chr18:23,572,118-23,572,123, CTGAAG deleted on the plus strand (CTTCAG on the coding strand, the reverse complement: NPC1 is on the minus strand); deleting any 6 consecutive bases within chr18:23,572,118-23,572,126 gives the same sequence; the c. name uses the placement nearest the transcript's 3' end. VCF-style (leftmost placement, unchanged base first): chr18-23572117-TCTGAAG-T. GRCh37 (hg19) VCF-style: chr18-21152081-TCTGAAG-T.
Identifiers: ClinVar variation 4992527 (VCV004992527.1).
Genomic context (GRCh38, chr18:23,572,117, plus strand): 5'-TCCCCAGCAGAACCTACCTGGACAGAAACTGTAGAGGCAGCTGCAGGTTGTCTTTTAGTG[TCTGAAG>T]CTGCCGAACATCACAACAGAGACTGACATTGCCAAAGAAGAATCCTGGACAGAGTTCCTT-3'

ClinVar aggregate classification (germline): Uncertain significance (1 of 4 stars; one submission).

Conditions:
NPC1-related disorder. Also called: NPC1-related condition.

Submission:

PreventionGenetics, part of Exact Sciences
Classification: Uncertain significance for NPC1-related condition. Last evaluated: 2026-02-27. Review status: criteria provided, single submitter. Criteria: ACMG Guidelines, 2015. Collection method: clinical testing. Allele origin: germline.
Comment: The NPC1 c.238_243del6 variant is predicted to result in an in-frame deletion (p.Leu80_Gln81del). This variant was reported in an individual with Niemann-Pick disease, type C1 (eTable 3, Liang et al. 2024. PubMed ID: 38131230). This variant has not been reported in a large population database (gnomAD), indicating this variant is rare. At this time, the clinical significance of this variant is uncertain due to the absence of conclusive functional and genetic evidence.